The following is an entry in ClinVar:

NM_020778.5(ALPK3):c.1018C>A (p.Arg340Ser)

Gene: ALPK3 (alpha kinase 3; plus strand). Cytogenetic location: 15q25.3.
Variant type: single nucleotide variant.
Coding change: c.1018C>A on transcript NM_020778.5 (MANE Select); coding-DNA position 1018, C replaced by A.
Protein change: p.Arg340Ser; replaces arginine 340 with serine.
Molecular consequence: missense variant.
Genome position (GRCh38, 1-based): chr15:84,840,297, C>A. VCF-style: chr15-84840297-C-A. GRCh37 (hg19) VCF-style: chr15-85383528-C-A.
Other names: short protein forms R340S.
Identifiers: ClinVar variation 4044257 (VCV004044257.1).

ClinVar aggregate classification (germline): Uncertain significance (1 of 4 stars; one submission).

Conditions:
Cardiovascular phenotype. Identifiers: MedGen CN230736.

gnomAD v4.1: 2 of 1,614,022 alleles (0.00012%); highest among the groups gnomAD compares: African/African-American, 0.0027%; no homozygotes.

Submission:

Ambry Genetics
Classification: Uncertain significance for Cardiovascular phenotype. Last evaluated: 2025-04-02. Review status: criteria provided, single submitter. Criteria: Ambry Variant Classification Scheme 2023. Collection method: clinical testing. Allele origin: germline.
Comment: The p.R542S variant (also known as c.1624C>A), located in coding exon 5 of the ALPK3 gene, results from a C to A substitution at nucleotide position 1624. The arginine at codon 542 is replaced by serine, an amino acid with dissimilar properties. This amino acid position is conserved. In addition, this alteration is predicted to be tolerated by in silico analysis. Based on the available evidence, the clinical significance of this variant remains unclear.